The following is an entry in ClinVar:

NM_000057.4(BLM):c.343C>A (p.Pro115Thr)

Gene: BLM (BLM RecQ like helicase; plus strand). Cytogenetic location: 15q26.1.
Variant type: single nucleotide variant.
Coding change: c.343C>A on transcript NM_000057.4 (MANE Select); coding-DNA position 343, C replaced by A.
Protein change: p.Pro115Thr; replaces proline 115 with threonine.
Molecular consequence: missense variant. On other transcripts: 5 prime UTR variant (1).
Genome position (GRCh38, 1-based): chr15:90,749,611, C>A. VCF-style: chr15-90749611-C-A. GRCh37 (hg19) VCF-style: chr15-91292841-C-A.
Other names: c.343C>A, p.Pro115Thr (NM_001287246.2, NM_001287247.2); c.-949C>A (NM_001287248.2); c.343C>A (NM_000057.2); short protein forms P115T.
Identifiers: ClinVar variation 1019851 (VCV001019851.15), dbSNP rs1173491187, ClinGen allele CA393840348.

ClinVar aggregate classification (germline): Uncertain significance. Review status: criteria provided, multiple submitters, no conflicts (2 of 4 stars). 3 submissions from 3 submitters: Uncertain significance (2). 1 of the submissions does not count toward it. Last evaluated 2025-09-28.

Conditions:
Hereditary cancer-predisposing syndrome. Also called: Tumor predisposition; Neoplastic Syndromes, Hereditary; Hereditary neoplastic syndrome; Hereditary Cancer Syndrome. Identifiers: Orphanet 140162, MedGen C0027672, MeSH D009386, MONDO:0015356.
Bloom syndrome (BLM). Also called: Bloom-Torre-Machacek syndrome. Identifiers: Orphanet 125, MedGen C0005859, MONDO:0008876, OMIM 210900.

gnomAD v4.1: 3 of 1,614,132 alleles (0.00019%); highest among the groups gnomAD compares: Non-Finnish European, 0.00025%; no homozygotes.

Submissions (3):

Ambry Genetics
Classification: Uncertain significance for Hereditary cancer-predisposing syndrome. Last evaluated: 2025-09-28. Review status: criteria provided, single submitter. Criteria: Ambry Variant Classification Scheme 2023. Collection method: clinical testing. Allele origin: germline.
Comment: The p.P115T variant (also known as c.343C>A), located in coding exon 2 of the BLM gene, results from a C to A substitution at nucleotide position 343. The proline at codon 115 is replaced by threonine, an amino acid with highly similar properties. This amino acid position is not well conserved in available vertebrate species. In addition, this alteration is predicted to be tolerated by in silico analysis. Since supporting evidence is limited at this time, the clinical significance of this alteration remains unclear.

Labcorp Genetics (formerly Invitae), Labcorp
Classification: Uncertain significance for Bloom syndrome. Last evaluated: 2024-08-12. Review status: criteria provided, single submitter. Criteria: Invitae Variant Classification Sherloc (09022015). Collection method: clinical testing. Allele origin: germline.
Comment: This sequence change replaces proline, which is neutral and non-polar, with threonine, which is neutral and polar, at codon 115 of the BLM protein (p.Pro115Thr). This variant is present in population databases (no rsID available, gnomAD 0.0009%). This variant has not been reported in the literature in individuals affected with BLM-related conditions. ClinVar contains an entry for this variant (Variation ID: 1019851). An algorithm developed to predict the effect of missense changes on protein structure and function outputs the following: PolyPhen-2: "Benign". The threonine amino acid residue is found in multiple mammalian species, which suggests that this missense change does not adversely affect protein function. In summary, the available evidence is currently insufficient to determine the role of this variant in disease. Therefore, it has been classified as a Variant of Uncertain Significance.

Natera, Inc.
Classification: Uncertain significance for Bloom syndrome. Last evaluated: 2018-05-10. Review status: no assertion criteria provided. Collection method: clinical testing. Allele origin: germline. Not counted in ClinVar's aggregate classification.